The following is an entry in ClinVar:

NM_006767.4(LZTR1):c.1596G>C (p.Lys532Asn)

Gene: LZTR1 (leucine zipper like post translational regulator 1; plus strand). Cytogenetic location: 22q11.21.
Variant type: single nucleotide variant.
Coding change: c.1596G>C on transcript NM_006767.4 (MANE Select); coding-DNA position 1596, G replaced by C.
Protein change: p.Lys532Asn; replaces lysine 532 with asparagine.
Molecular consequence: missense variant.
Genome position (GRCh38, 1-based): chr22:20,994,250, G>C. VCF-style: chr22-20994250-G-C. GRCh37 (hg19) VCF-style: chr22-21348539-G-C.
Other names: short protein forms K532N.
Identifiers: ClinVar variation 3238107 (VCV003238107.3), dbSNP rs1601721439.

ClinVar aggregate classification (germline): Uncertain significance. Review status: criteria provided, multiple submitters, no conflicts (2 of 4 stars). 2 submissions from 2 submitters: Uncertain significance (2). Last evaluated 2024-06-09.

Conditions:
Hereditary cancer-predisposing syndrome. Also called: Neoplastic Syndromes, Hereditary; Tumor predisposition; Hereditary neoplastic syndrome; Hereditary Cancer Syndrome. Identifiers: Orphanet 140162, MedGen C0027672, MeSH D009386, MONDO:0015356.
Cardiovascular phenotype. Identifiers: MedGen CN230736.

Submissions (2):

Labcorp Genetics (formerly Invitae), Labcorp
Classification: Uncertain significance. Last evaluated: 2024-06-09. Review status: criteria provided, single submitter. Criteria: Invitae Variant Classification Sherloc (09022015). Collection method: clinical testing. Allele origin: germline.
Comment: This sequence change replaces lysine, which is basic and polar, with asparagine, which is neutral and polar, at codon 532 of the LZTR1 protein (p.Lys532Asn). This variant is not present in population databases (gnomAD no frequency). This variant has not been reported in the literature in individuals affected with LZTR1-related conditions. Advanced modeling of protein sequence and biophysical properties (such as structural, functional, and spatial information, amino acid conservation, physicochemical variation, residue mobility, and thermodynamic stability) performed at Invitae indicates that this missense variant is not expected to disrupt LZTR1 protein function with a negative predictive value of 80%. In summary, the available evidence is currently insufficient to determine the role of this variant in disease. Therefore, it has been classified as a Variant of Uncertain Significance.

Ambry Genetics
Classification: Uncertain significance for Cardiovascular phenotype; Hereditary cancer-predisposing syndrome. Last evaluated: 2023-10-10. Review status: criteria provided, single submitter. Criteria: Ambry Variant Classification Scheme 2023. Collection method: clinical testing. Allele origin: germline.
Comment: The p.K532N variant (also known as c.1596G>C), located in coding exon 14 of the LZTR1 gene, results from a G to C substitution at nucleotide position 1596. The lysine at codon 532 is replaced by asparagine, an amino acid with similar properties. This amino acid position is conserved. In addition, this alteration is predicted to be tolerated by in silico analysis. Since supporting evidence is limited at this time, the clinical significance of this alteration remains unclear.